The following is an entry in ClinVar:

ClinVar aggregate classification (germline): Uncertain significance (1 of 4 stars; one submission).

Conditions:
Inborn genetic diseases. Identifiers: MedGen C0950123, MeSH D030342.

Submission:

Ambry Genetics
Classification: Uncertain significance for Inborn genetic diseases. Last evaluated: 2026-05-24. Review status: criteria provided, single submitter. Criteria: Ambry Variant Classification Scheme 2023. Collection method: clinical testing. Allele origin: germline.
Comment: The p.I60T variant (also known as c.179T>C), located in coding exon 1 of the G6PC3 gene, results from a T to C substitution at nucleotide position 179. The isoleucine at codon 60 is replaced by threonine, an amino acid with similar properties. This amino acid position is conserved. In addition, this alteration is predicted to be tolerated by in silico analysis. Based on the available evidence, the clinical significance of this variant remains unclear.

NM_138387.4(G6PC3):c.179T>C (p.Ile60Thr)

Genes: G6PC3 (glucose-6-phosphatase catalytic subunit 3; plus strand), LOC130060959 (ATAC-STARR-seq lymphoblastoid active region 12250; plus strand). Cytogenetic location: 17q21.31.
Variant type: single nucleotide variant.
Coding change: c.179T>C on transcript NM_138387.4 (MANE Select); coding-DNA position 179, T replaced by C.
Protein change: p.Ile60Thr; replaces isoleucine 60 with threonine.
Molecular consequence: missense variant. On other transcripts: 5 prime UTR variant (3), intron variant (1).
Genome position (GRCh38, 1-based): chr17:44,071,144, T>C. VCF-style: chr17-44071144-T-C. GRCh37 (hg19) VCF-style: chr17-42148512-T-C.
Other names: c.179T>C, p.Ile60Thr (NM_001319945.2); c.-226T>C (NM_001384165.1); c.-361T>C (NM_001384166.1); c.-351T>C (NM_001384167.1); c.-312+430T>C (NM_001384168.1); short protein forms I60T.
Identifiers: ClinVar variation 4871606 (VCV004871606.1).